The following is an entry in ClinVar:

ClinVar aggregate classification (germline): Likely benign. Review status: criteria provided, multiple submitters, no conflicts (2 of 4 stars). 5 submissions from 4 submitters: Likely benign (5). Last evaluated 2026-01-05.

Conditions:
Autosomal dominant nocturnal frontal lobe epilepsy 5. Also called: KCNT1-Related Epilepsy; CILIARY DYSKINESIA, PRIMARY, 28, WITHOUT SITUS INVERSUS; CILIARY DYSKINESIA, PRIMARY, 28, WITH SITUS INVERSUS; Epilepsy, nocturnal frontal lobe, 5. Identifiers: Orphanet 98784, MedGen C3554306, MONDO:0014002, OMIM 615005.
Developmental and epileptic encephalopathy, 14 (DEE14). Also called: Early infantile epileptic encephalopathy 14. Identifiers: Orphanet 293181, MedGen C3554195, MONDO:0013989, OMIM 614959.

Allele frequency attached by ClinVar (database versions not stated): ESP Exome Variant Server 0.00008; 1000 Genomes Project 30x 0.00016; 1000 Genomes Project 0.00020; gnomAD 0.00026; TOPMed 0.00028.
gnomAD v4.1: 406 of 1,602,978 alleles (0.025%); highest among the groups gnomAD compares: Non-Finnish European, 0.031%; no homozygotes.

Submissions (5):

Labcorp Genetics (formerly Invitae), Labcorp
Classification: Likely benign for Autosomal dominant nocturnal frontal lobe epilepsy 5; Developmental and epileptic encephalopathy, 14. Last evaluated: 2026-01-05. Review status: criteria provided, single submitter. Criteria: Invitae Variant Classification Sherloc (09022015). Collection method: clinical testing. Allele origin: germline.

Blueprint Genetics
Classification: Likely benign. Last evaluated: 2024-03-11. Review status: criteria provided, single submitter. Criteria: ACMG Guidelines, 2015. Collection method: clinical testing. Allele origin: germline.

Genome-Nilou Lab
Classification: Likely benign for Developmental and epileptic encephalopathy, 14. Last evaluated: 2022-03-15. Review status: criteria provided, single submitter. Criteria: ACMG Guidelines, 2015. Collection method: clinical testing. Allele origin: germline. Affected: no.

Genome-Nilou Lab
Classification: Likely benign for Autosomal dominant nocturnal frontal lobe epilepsy 5. Last evaluated: 2022-03-15. Review status: criteria provided, single submitter. Criteria: ACMG Guidelines, 2015. Collection method: clinical testing. Allele origin: germline. Affected: no.

GeneDx
Classification: Likely benign. Last evaluated: 2017-09-05. Review status: criteria provided, single submitter. Criteria: GeneDx Variant Classification (06012015). Collection method: clinical testing. Allele origin: germline. Affected: yes.
Comment: This variant is considered likely benign or benign based on one or more of the following criteria: it is a conservative change, it occurs at a poorly conserved position in the protein, it is predicted to be benign by multiple in silico algorithms, and/or has population frequency not consistent with disease.

NM_020822.3(KCNT1):c.759+13G>A

Gene: KCNT1 (potassium sodium-activated channel subfamily T member 1; plus strand). Cytogenetic location: 9q34.3.
Variant type: single nucleotide variant.
Coding change: c.759+13G>A on transcript NM_020822.3 (MANE Select); 13 bases into the intron after coding-DNA position 759, G replaced by A.
Molecular consequence: intron variant.
Genome position (GRCh38, 1-based): chr9:135,757,394, G>A. VCF-style: chr9-135757394-G-A. GRCh37 (hg19) VCF-style: chr9-138649240-G-A.
Other names: c.615+13G>A (NM_001272003.2).
Identifiers: ClinVar variation 384074 (VCV000384074.11), dbSNP rs375237065, ClinGen allele CA5326617.